The following is an entry in ClinVar:

ClinVar aggregate classification (germline): Benign. Review status: criteria provided, multiple submitters, no conflicts (2 of 4 stars). 5 submissions from 5 submitters: Benign (5). Last evaluated 2026-02-04.

Conditions:
Hereditary spastic paraplegia 49 (HSAN9). Also called: Spastic paraplegia 49, autosomal recessive; NEUROPATHY, HEREDITARY SENSORY AND AUTONOMIC, TYPE IX, WITH DEVELOPMENTAL DELAY; TECPR2-Related Hereditary Sensory and Autonomic Neuropathy with Intellectual Disability. Identifiers: Orphanet 320385, MedGen C5190860, MONDO:0014016, OMIM 615031.
Hereditary spastic paraplegia. Also called: Familial spastic paraparesis. Identifiers: Orphanet 685, MedGen C0037773, MONDO:0019064. Disease mechanism: loss of function.

Allele frequency attached by ClinVar (database versions not stated): 1000 Genomes Project 0.01058; 1000 Genomes Project 30x 0.01077; gnomAD 0.01613 and 0.01676; gnomAD exomes 0.01646 and 0.01976; ESP Exome Variant Server 0.01722; ExAC 0.01737; TOPMed 0.01738.
gnomAD v4.1: 30,777 of 1,583,794 alleles (1.9%); highest among the groups gnomAD compares: Admixed American, 2.3%; 353 homozygotes.

Submissions (5):

Labcorp Genetics (formerly Invitae), Labcorp
Classification: Benign for Hereditary spastic paraplegia 49. Last evaluated: 2026-02-04. Review status: criteria provided, single submitter. Criteria: Invitae Variant Classification Sherloc (09022015). Collection method: clinical testing. Allele origin: germline.

Genome Diagnostics Laboratory, The Hospital for Sick Children
Classification: Benign for Hereditary spastic paraplegia. Last evaluated: 2021-08-30. Review status: criteria provided, single submitter. Criteria: ACMG Guidelines, 2015. Collection method: clinical testing. Allele origin: germline. Affected: yes.

Mayo Clinic Laboratories, Mayo Clinic
Classification: Benign. Last evaluated: 2018-04-19. Review status: criteria provided, single submitter. Criteria: ACMG Guidelines, 2015. Collection method: clinical testing. Allele origin: germline. Observed: 32 variant alleles.

GeneDx
Classification: Benign. Last evaluated: 2016-05-05. Review status: criteria provided, single submitter. Criteria: GeneDx Variant Classification (06012015). Collection method: clinical testing. Allele origin: germline. Affected: yes.
Comment: This variant is considered likely benign or benign based on one or more of the following criteria: it is a conservative change, it occurs at a poorly conserved position in the protein, it is predicted to be benign by multiple in silico algorithms, and/or has population frequency not consistent with disease.

Breakthrough Genomics
Classification: Benign. Review status: criteria provided, single submitter. Criteria: ACMG Guidelines, 2015. Collection method: not provided. Allele origin: germline. Inheritance: Autosomal recessive inheritance. Affected: yes.

NM_014844.5(TECPR2):c.1802C>T (p.Pro601Leu)

Gene: TECPR2 (tectonin beta-propeller repeat containing 2; plus strand). Cytogenetic location: 14q32.31.
Variant type: single nucleotide variant.
Coding change: c.1802C>T on transcript NM_014844.5 (MANE Select); coding-DNA position 1802, C replaced by T.
Protein change: p.Pro601Leu; replaces proline 601 with leucine.
Molecular consequence: missense variant.
Genome position (GRCh38, 1-based): chr14:102,434,619, C>T. VCF-style: chr14-102434619-C-T. GRCh37 (hg19) VCF-style: chr14-102900956-C-T.
Other names: p.Pro601Leu; c.1802C>T, p.Pro601Leu (NM_001172631.3); short protein forms P601L.
Identifiers: ClinVar variation 220729 (VCV000220729.16), dbSNP rs118141823, ClinGen allele CA350090.